The following is an entry in ClinVar:

ClinVar aggregate classification (germline): Uncertain significance (1 of 4 stars; one submission).

Conditions:
Heterotopia, periventricular, X-linked dominant (PVNH1). Also called: PERIVENTRICULAR NODULAR HETEROTOPIA 4; HETEROTOPIA, PERIVENTRICULAR, 1; PERIVENTRICULAR NODULAR HETEROTOPIA 1; X-linked periventricular heterotopia. Identifiers: Orphanet 2149, Orphanet 82004, MedGen C1848213, MONDO:0010233, OMIM 300049.
Melnick-Needles syndrome (MNS). Also called: Melnick-Needles Syndrome (FLNA-MNS); MELNICK-NEEDLES OSTEODYSPLASTY; OSTEODYSPLASTY OF MELNICK AND NEEDLES. Identifiers: Orphanet 2484, MedGen C0025237, MONDO:0010650, OMIM 309350.
Frontometaphyseal dysplasia (FMD1). Identifiers: Orphanet 1826, MedGen C0265293, MONDO:0015942.
Oto-palato-digital syndrome, type II (OPD2). Also called: Otopalatodigital Syndrome Type 2 (FLNA-OPD2); FACIOPALATOOSSEOUS SYNDROME; OPD II SYNDROME; Otopalatodigital Syndrome, Type II. Identifiers: Orphanet 669, Orphanet 90652, MedGen C1844696, MONDO:0010571, OMIM 304120.

Allele frequency attached by ClinVar (database versions not stated): gnomAD exomes 0.00001.
gnomAD v4.1: 6 of 1,211,338 alleles (0.0005%); highest among the groups gnomAD compares: Non-Finnish European, 0.00067%; no homozygotes.

Submission:

Labcorp Genetics (formerly Invitae), Labcorp
Classification: Uncertain significance for Oto-palato-digital syndrome, type II; Heterotopia, periventricular, X-linked dominant; Frontometaphyseal dysplasia; Melnick-Needles syndrome. Last evaluated: 2023-07-17. Review status: criteria provided, single submitter. Criteria: Invitae Variant Classification Sherloc (09022015). Collection method: clinical testing. Allele origin: germline.
Comment: ClinVar contains an entry for this variant (Variation ID: 1895504). This variant has not been reported in the literature in individuals affected with FLNA-related conditions. This variant is not present in population databases (gnomAD no frequency). This sequence change replaces aspartic acid, which is acidic and polar, with valine, which is neutral and non-polar, at codon 2528 of the FLNA protein (p.Asp2528Val). Advanced modeling of protein sequence and biophysical properties (such as structural, functional, and spatial information, amino acid conservation, physicochemical variation, residue mobility, and thermodynamic stability) performed at Invitae indicates that this missense variant is not expected to disrupt FLNA protein function. In summary, the available evidence is currently insufficient to determine the role of this variant in disease. Therefore, it has been classified as a Variant of Uncertain Significance.

NM_001110556.2(FLNA):c.7607A>T (p.Asp2536Val)

Genes: FLNA (filamin A; minus strand), LOC107988032 (Xq28 proximal FLNA-EMD recombination region; plus strand). Cytogenetic location: Xq28.
Variant type: single nucleotide variant.
Coding change: c.7607A>T on transcript NM_001110556.2 (MANE Select); coding-DNA position 7607, A replaced by T.
Protein change: p.Asp2536Val; replaces aspartic acid 2536 with valine.
Molecular consequence: missense variant.
Genome position (GRCh38, 1-based): chrX:154,349,511, T>A on the plus strand (A>T on the coding strand, the complement: FLNA is on the minus strand). VCF-style: chrX-154349511-T-A. GRCh37 (hg19) VCF-style: chrX-153577879-T-A.
Other names: c.7583A>T, p.Asp2528Val (NM_001456.4); short protein forms D2536V, D2528V.
Identifiers: ClinVar variation 1895504 (VCV001895504.5), dbSNP rs2522713136, ClinGen allele CA415180676.
Genomic context (GRCh38, chrX:154,349,511, plus strand): 5'-TCAGCAGGCCCAGGACCCGGGGCCCCATGCTGGGGGGCACAGGTGGCCTTGGTCAGAGAG[T>A]CTACAAACACTGATGATGTCTCGTGGAGGCTGTGGTTGCTGACGAGACGGGGGCCTGCAA-3'
Protein context (NP_001104026.1, residues 2526-2546): SLHETSSVFV[Asp2536Val]SLTKATCAPQ